The following is an entry in ClinVar:

NM_001918.5(DBT):c.505C>T (p.Arg169Ter)

Gene: DBT (dihydrolipoamide branched chain transacylase E2; minus strand). Cytogenetic location: 1p21.2.
Variant type: single nucleotide variant.
Coding change: c.505C>T on transcript NM_001918.5 (MANE Select); coding-DNA position 505, C replaced by T.
Protein change: p.Arg169Ter; replaces arginine 169 with a stop codon.
Molecular consequence: nonsense. On other transcripts: 5 prime UTR variant (2), non-coding transcript variant (4).
Genome position (GRCh38, 1-based): chr1:100,218,676, G>A on the plus strand (C>T on the coding strand, the complement: DBT is on the minus strand). VCF-style: chr1-100218676-G-A. GRCh37 (hg19) VCF-style: chr1-100684232-G-A.
Other names: p.Arg169Ter; c.-39C>T (NM_001399969.1, NM_001399972.1); short protein forms R169*.
Identifiers: ClinVar variation 2674736 (VCV002674736.4), dbSNP rs2524164751, ClinGen allele CA341340542.

ClinVar aggregate classification (germline): Pathogenic/Likely pathogenic. Review status: criteria provided, multiple submitters, no conflicts (2 of 4 stars). 3 submissions from 3 submitters: Pathogenic (1); Likely pathogenic (2). Last evaluated 2026-09-15.

Conditions:
Maple syrup urine disease type 2 (MSUD2). Also called: Maple syrup urine disease, type II. Identifiers: MedGen C1855371, MONDO:0023693, OMIM 620699.
Maple syrup urine disease type 1A (MSUD1A). Also called: MSUD type 1A. Identifiers: MedGen C1855369, MONDO:0023691, OMIM 248600.

Allele frequency attached by ClinVar (database versions not stated): gnomAD exomes below 0.00001.
gnomAD v4.1: 2 of 1,613,746 alleles (0.00012%); highest among the groups gnomAD compares: Non-Finnish European, 0.00017%; no homozygotes.

Submissions (3):

Department of Molecular Genetics, Istishari Arab Hospital
Classification: Pathogenic for Maple syrup urine disease type 2. Last evaluated: 2026-09-15. Review status: criteria provided, single submitter. Criteria: ACMG Guidelines, 2015. Collection method: clinical testing. Allele origin: germline. Inheritance: Autosomal recessive inheritance. Affected: yes.
Comment: The DBT variant c.505C>T, p.Arg169Ter creates a termination codon at position 169 in exon 5 (of 11 exons). The variant is observed at an extremely low frequency in the gnomAD v4.1.0 dataset (total allele frequency: <0.001%). It is classified as pathogenic according to the recommendations of ACMG/AMP/ClinGen SVI guidelines.

Genomic Medicine Center of Excellence, King Faisal Specialist Hospital and Research Centre
Classification: Likely pathogenic for Maple syrup urine disease type 2. Last evaluated: 2024-03-25. Review status: criteria provided, single submitter. Criteria: ACMG Guidelines, 2015. Collection method: clinical testing. Allele origin: germline.

Baylor Genetics
Classification: Likely pathogenic for Maple syrup urine disease type 1A. Last evaluated: 2023-11-16. Review status: criteria provided, single submitter. Criteria: ACMG Guidelines, 2015. Collection method: clinical testing. Allele origin: unknown.